The following is an entry in ClinVar:

NM_004046.6(ATP5F1A):c.692G>A (p.Arg231His)

Gene: ATP5F1A (ATP synthase F1 subunit alpha; minus strand). Cytogenetic location: 18q21.1.
Variant type: single nucleotide variant.
Coding change: c.692G>A on transcript NM_004046.6 (MANE Select); coding-DNA position 692, G replaced by A.
Protein change: p.Arg231His; replaces arginine 231 with histidine.
Molecular consequence: missense variant.
Genome position (GRCh38, 1-based): chr18:46,088,216, C>T on the plus strand (G>A on the coding strand, the complement: ATP5F1A is on the minus strand). VCF-style: chr18-46088216-C-T. GRCh37 (hg19) VCF-style: chr18-43668182-C-T.
Other names: c.542G>A, p.Arg181His (NM_001001935.3, NM_001257335.2); c.692G>A, p.Arg231His (NM_001001937.2); c.626G>A, p.Arg209His (NM_001257334.2); short protein forms R181H, R209H, R231H.
Identifiers: ClinVar variation 1937008 (VCV001937008.5), dbSNP rs750749766, ClinGen allele CA299749574.

ClinVar aggregate classification (germline): Uncertain significance (1 of 4 stars; one submission).

Allele frequency attached by ClinVar (database versions not stated): gnomAD 0.00001; TOPMed 0.00001.
gnomAD v4.1: 6 of 1,597,398 alleles (0.00038%); highest among the groups gnomAD compares: Admixed American, 0.0018%; no homozygotes.

Submission:

Labcorp Genetics (formerly Invitae), Labcorp
Classification: Uncertain significance. Last evaluated: 2025-01-06. Review status: criteria provided, single submitter. Criteria: Invitae Variant Classification Sherloc (09022015). Collection method: clinical testing. Allele origin: germline.
Comment: This sequence change replaces arginine, which is basic and polar, with histidine, which is basic and polar, at codon 231 of the ATP5A1 protein (p.Arg231His). This variant is present in population databases (no rsID available, gnomAD 0.004%). This variant has not been reported in the literature in individuals affected with ATP5A1-related conditions. ClinVar contains an entry for this variant (Variation ID: 1937008). Invitae Evidence Modeling of protein sequence and biophysical properties (such as structural, functional, and spatial information, amino acid conservation, physicochemical variation, residue mobility, and thermodynamic stability) indicates that this missense variant is not expected to disrupt ATP5A1 protein function with a negative predictive value of 80%. In summary, the available evidence is currently insufficient to determine the role of this variant in disease. Therefore, it has been classified as a Variant of Uncertain Significance.